The following is an entry in ClinVar:

NM_001374353.1(GLI2):c.696G>A (p.Ala232=)

Gene: GLI2 (GLI family zinc finger 2; plus strand). Cytogenetic location: 2q14.2.
Variant type: single nucleotide variant.
Coding change: c.696G>A on transcript NM_001374353.1 (MANE Select); coding-DNA position 696, G replaced by A.
Protein change: p.Ala232=; no amino-acid change (alanine 232 retained).
Molecular consequence: synonymous variant.
Genome position (GRCh38, 1-based): chr2:120,968,766, G>A. VCF-style: chr2-120968766-G-A. GRCh37 (hg19) VCF-style: chr2-121726342-G-A.
Other names: c.696G>A (NM_005270.4); c.696G>A, p.Ala232= (NM_001371271.1, NM_005270.5); c.321G>A, p.Ala107= (NM_001374354.1).
Identifiers: ClinVar variation 4788016 (VCV004788016.2).

ClinVar aggregate classification (germline): Likely benign. Review status: criteria provided, multiple submitters, no conflicts (2 of 4 stars). 2 submissions from 2 submitters: Likely benign (2). Last evaluated 2025-11-06.

Conditions:
Holoprosencephaly 9 (HPE9). Also called: HOLOPROSENCEPHALY WITH MICROPHTHALMIA AND FIRST BRANCHIAL ARCH ANOMALIES; PITUITARY ANOMALIES WITH HOLOPROSENCEPHALY-LIKE FEATURES. Identifiers: Orphanet 2162, MedGen C1835819, MONDO:0012563, OMIM 610829.
Postaxial polydactyly-anterior pituitary anomalies-facial dysmorphism syndrome. Also called: Culler-Jones syndrome. Identifiers: Orphanet 420584, MedGen C4014479, MONDO:0014369, OMIM 615849.
GLI2-related disorder. Also called: GLI2-related disorders; GLI2-related condition.

Submissions (2):

Labcorp Genetics (formerly Invitae), Labcorp
Classification: Likely benign for Postaxial polydactyly-anterior pituitary anomalies-facial dysmorphism syndrome; Holoprosencephaly 9. Last evaluated: 2025-11-06. Review status: criteria provided, single submitter. Criteria: Invitae Variant Classification Sherloc (09022015). Collection method: clinical testing. Allele origin: germline.

PreventionGenetics, part of Exact Sciences
Classification: Likely benign for GLI2-related condition. Last evaluated: 2025-02-18. Review status: criteria provided, single submitter. Criteria: ACMG Guidelines, 2015. Collection method: clinical testing. Allele origin: germline.
Comment: This variant is classified as likely benign based on ACMG/AMP sequence variant interpretation guidelines (Richards et al. 2015 PMID: 25741868, with internal and published modifications).